The following is an entry in ClinVar:

NM_012338.4(TSPAN12):c.361-15_361-9del

Gene: TSPAN12 (tetraspanin 12; minus strand). Cytogenetic location: 7q31.31.
Variant type: Deletion.
Coding change: c.361-15_361-9del on transcript NM_012338.4 (MANE Select); 15 bases into the intron before coding-DNA position 361 through 9 bases into the intron before coding-DNA position 361, 7 bases deleted (GCTTTTT; older notation c.361-15_361-9delGCTTTTT).
Molecular consequence: intron variant.
Genome position (GRCh38, 1-based): chr7:120,810,579-120,810,585, AAAAAGC deleted on the plus strand (GCTTTTT on the coding strand, the reverse complement: TSPAN12 is on the minus strand); deleting any 7 consecutive bases within chr7:120,810,579-120,810,589 gives the same sequence; the c. name uses the placement nearest the transcript's 3' end. VCF-style (leftmost placement, unchanged base first): chr7-120810578-TAAAAAGC-T. GRCh37 (hg19) VCF-style: chr7-120450632-TAAAAAGC-T.
Other names: c.361-15_361-9del7 (NM_012338.3); c.361-15_361-9del (NM_012338.3).
Identifiers: ClinVar variation 778331 (VCV000778331.12), dbSNP rs748228842, ClinGen allele CA4453904.
Genomic context (GRCh38, chr7:120,810,578, plus strand): 5'-TAATTTGTCATCCTGGCTTTCAAAGTGACCATATCTGACCATTGTACTGGAACCTGGTGA[TAAAAAGC>T]AAAATATCAACAGCTGTAGCTCACACACAGACACAGATTCACACACACACACACACACAC-3'

ClinVar aggregate classification (germline): Benign/Likely benign. Review status: criteria provided, multiple submitters, no conflicts (2 of 4 stars). 3 submissions from 3 submitters: Benign (1); Likely benign (2). Last evaluated 2025-07-17.

Conditions:
TSPAN12-related disorder. Also called: TSPAN12-related condition.

Submissions (3):

PreventionGenetics, part of Exact Sciences
Classification: Likely benign for TSPAN12-related condition. Last evaluated: 2025-07-17. Review status: criteria provided, single submitter. Criteria: ACMG Guidelines, 2015. Collection method: clinical testing. Allele origin: germline.
Comment: This variant is classified as likely benign based on ACMG/AMP sequence variant interpretation guidelines (Richards et al. 2015 PMID: 25741868, with internal and published modifications).

Labcorp Genetics (formerly Invitae), Labcorp
Classification: Benign. Last evaluated: 2025-07-07. Review status: criteria provided, single submitter. Criteria: Invitae Variant Classification Sherloc (09022015). Collection method: clinical testing. Allele origin: germline.

Blueprint Genetics
Classification: Likely benign. Last evaluated: 2023-07-15. Review status: criteria provided, single submitter. Criteria: ACMG Guidelines, 2015. Collection method: clinical testing. Allele origin: germline.